The following is an entry in ClinVar:

NM_020533.3(MCOLN1):c.77C>T (p.Ala26Val)

Gene: MCOLN1 (mucolipin TRP cation channel 1; plus strand). Cytogenetic location: 19p13.2.
Variant type: single nucleotide variant.
Coding change: c.77C>T on transcript NM_020533.3 (MANE Select); coding-DNA position 77, C replaced by T.
Protein change: p.Ala26Val; replaces alanine 26 with valine.
Molecular consequence: missense variant.
Genome position (GRCh38, 1-based): chr19:7,525,006, C>T. VCF-style: chr19-7525006-C-T. GRCh37 (hg19) VCF-style: chr19-7589892-C-T.
Other names: c.77C>T (NM_020533.2); short protein forms A26V.
Identifiers: ClinVar variation 2195500 (VCV002195500.2), dbSNP rs372794201, ClinGen allele CA9138601.

ClinVar aggregate classification (germline): Conflicting classifications of pathogenicity. Review status: criteria provided, conflicting classifications (1 of 4 stars). 2 submissions from 2 submitters: Uncertain significance (1); Likely benign (1). Last evaluated 2022-01-06.

Conditions:
Inborn genetic diseases. Identifiers: MedGen C0950123, MeSH D030342.
Mucolipidosis type IV (ML4). Also called: ML IV. Identifiers: Orphanet 578, MedGen C0238286, MONDO:0009653, OMIM 252650.

Allele frequency attached by ClinVar (database versions not stated): ExAC 0.00003; gnomAD 0.00003; TOPMed 0.00003; gnomAD exomes 0.00005; ESP Exome Variant Server 0.00008.
gnomAD v4.1: 86 of 1,613,734 alleles (0.0053%); highest among the groups gnomAD compares: Middle Eastern, 0.083%; 1 homozygote.

Submissions (2):

Labcorp Genetics (formerly Invitae), Labcorp
Classification: Uncertain significance for Mucolipidosis type IV. Last evaluated: 2022-01-06. Review status: criteria provided, single submitter. Criteria: Invitae Variant Classification Sherloc (09022015). Collection method: clinical testing. Allele origin: germline.
Comment: This sequence change replaces alanine, which is neutral and non-polar, with valine, which is neutral and non-polar, at codon 26 of the MCOLN1 protein (p.Ala26Val). This variant is present in population databases (rs372794201, gnomAD 0.009%). This variant has not been reported in the literature in individuals affected with MCOLN1-related conditions. Algorithms developed to predict the effect of missense changes on protein structure and function output the following: SIFT: "Tolerated"; PolyPhen-2: "Benign"; Align-GVGD: "Class C0". The valine amino acid residue is found in multiple mammalian species, which suggests that this missense change does not adversely affect protein function. Algorithms developed to predict the effect of sequence changes on RNA splicing suggest that this variant may create or strengthen a splice site. In summary, the available evidence is currently insufficient to determine the role of this variant in disease. Therefore, it has been classified as a Variant of Uncertain Significance.

Ambry Genetics
Classification: Likely benign for Inborn genetic diseases. Last evaluated: 2021-08-02. Review status: criteria provided, single submitter. Criteria: Ambry Variant Classification Scheme 2023. Collection method: clinical testing. Allele origin: germline.